The following is an entry in ClinVar:

ClinVar aggregate classification (germline): Uncertain significance (1 of 4 stars; one submission).

Submission:

GeneDx
Classification: Uncertain significance. Last evaluated: 2020-12-04. Review status: criteria provided, single submitter. Criteria: GeneDx Variant Classification Process June 2021. Collection method: clinical testing. Allele origin: germline. Affected: yes.
Comment: Not observed n large population cohorts (Lek et al., 2016); In-frame duplication of 4 amino acids in a non-repeat region; Has not been previously published as pathogenic or benign to our knowledge

NM_001330078.2(NRXN1):c.3030_3041dup (p.Thr1011_Thr1014dup)

Gene: NRXN1 (neurexin 1; minus strand). Cytogenetic location: 2p16.3.
Variant type: Duplication.
Coding change: c.3030_3041dup on transcript NM_001330078.2 (MANE Select); coding-DNA positions 3030 to 3041, 12 bases duplicated (AACGCAAATCAC).
Protein change: p.Thr1011_Thr1014dup.
Molecular consequence: inframe insertion.
Genome position (GRCh38, 1-based): chr2:50,495,934-50,495,945, GTGATTTGCGTT duplicated on the plus strand (AACGCAAATCAC on the coding strand, the reverse complement: NRXN1 is on the minus strand); duplicating any 12 consecutive bases within chr2:50,495,934-50,495,952 gives the same sequence; the c. name uses the placement nearest the transcript's 3' end. VCF-style (leftmost placement, unchanged base first): chr2-50495933-G-GGTGATTTGCGTT. GRCh37 (hg19) VCF-style: chr2-50723071-G-GGTGATTTGCGTT.
Other names: c.3150_3161dupAACGCAAATCAC (NM_001135659.1); c.3150_3161dup, p.Thr1051_Thr1054dup (NM_001135659.3); c.3006_3017dup, p.Thr1003_Thr1006dup (NM_001330077.2, NM_001330082.2); c.2964_2975dup, p.Thr989_Thr992dup (NM_001330083.2, NM_001330084.2); c.3003_3014dup, p.Thr1002_Thr1005dup (NM_001330085.2); c.3030_3041dup, p.Thr1011_Thr1014dup (NM_001330086.2, NM_004801.6); c.2919_2930dup, p.Thr974_Thr977dup (NM_001330087.2, NM_001330096.2); c.2949_2960dup, p.Thr984_Thr987dup (NM_001330088.2); and 3 more.
Identifiers: ClinVar variation 546549 (VCV000546549.4), dbSNP rs1553698269, ClinGen allele CA658822868.